The following is an entry in ClinVar:

ClinVar aggregate classification (germline): Uncertain significance (1 of 4 stars; one submission).

Conditions:
Developmental and epileptic encephalopathy, 42 (DEE42A). Also called: DEVELOPMENTAL AND EPILEPTIC ENCEPHALOPATHY 42A; EPILEPTIC ENCEPHALOPATHY, EARLY INFANTILE, 42A; Epileptic encephalopathy, early infantile, 42. Identifiers: MedGen C4310716, MONDO:0014917, OMIM 617106.
Episodic ataxia type 2 (EA2). Also called: ATAXIA, EPISODIC, WITH NYSTAGMUS; ATAXIA, FAMILIAL PAROXYSMAL; CEREBELLAR ATAXIA, PAROXYSMAL, ACETAZOLAMIDE-RESPONSIVE; CEREBELLOPATHY, HEREDITARY PAROXYSMAL; EPISODIC ATAXIA, NYSTAGMUS-ASSOCIATED; ACETAZOLAMIDE-RESPONSIVE HEREDITARY PAROXYSMAL CEREBELLAR ATAXIA. Identifiers: Orphanet 97, MedGen C1720416, MONDO:0007163, OMIM 108500.

Submission:

Labcorp Genetics (formerly Invitae), Labcorp
Classification: Uncertain significance for Developmental and epileptic encephalopathy, 42; Episodic ataxia type 2. Last evaluated: 2021-12-20. Review status: criteria provided, single submitter. Criteria: Invitae Variant Classification Sherloc (09022015). Collection method: clinical testing. Allele origin: germline.
Comment: In summary, the available evidence is currently insufficient to determine the role of this variant in disease. Therefore, it has been classified as a Variant of Uncertain Significance. This variant has not been reported in the literature in individuals affected with CACNA1A-related conditions. This variant is not present in population databases (gnomAD no frequency). This variant, c.6626_6634dup, results in the insertion of 3 amino acid(s) of the CACNA1A protein (p.Arg2209_His2211dup), but otherwise preserves the integrity of the reading frame.

NM_001127222.2(CACNA1A):c.6623_6631dup (p.Arg2208_His2210dup)

Gene: CACNA1A (calcium voltage-gated channel subunit alpha1 A; minus strand). Cytogenetic location: 19p13.13.
Variant type: Duplication.
Coding change: c.6623_6631dup on transcript NM_001127222.2 (MANE Select); coding-DNA positions 6623 to 6631, 9 bases duplicated (GACAGCACC; older notation c.6623_6631dupGACAGCACC).
Protein change: p.Arg2208_His2210dup.
Molecular consequence: inframe insertion.
Genome position (GRCh38, 1-based): chr19:13,208,905-13,208,913, GGTGCTGTC duplicated on the plus strand (GACAGCACC on the coding strand, the reverse complement: CACNA1A is on the minus strand); duplicating any 9 consecutive bases within chr19:13,208,905-13,208,914 gives the same sequence; the c. name uses the placement nearest the transcript's 3' end. VCF-style (leftmost placement, unchanged base first): chr19-13208904-T-TGGTGCTGTC. GRCh37 (hg19) VCF-style: chr19-13319718-T-TGGTGCTGTC.
Other names: c.6641_6649dup, p.Arg2214_His2216dup (NM_000068.4, NM_023035.3); c.6626_6634dup, p.Arg2209_His2211dup (NM_001127221.2); c.6632_6640dup, p.Arg2211_His2213dup (NM_001174080.2).
Identifiers: ClinVar variation 1481876 (VCV001481876.6), dbSNP rs1305974321, ClinGen allele CA783411553.